The following is an entry in ClinVar:

ClinVar aggregate classification (germline): Uncertain significance (1 of 4 stars; one submission).

Conditions:
Bardet-Biedl syndrome (BBS). Identifiers: Orphanet 110, MedGen C0752166, MONDO:0015229.

Submission:

Labcorp Genetics (formerly Invitae), Labcorp
Classification: Uncertain significance for Bardet-Biedl syndrome. Last evaluated: 2022-03-29. Review status: criteria provided, single submitter. Criteria: Invitae Variant Classification Sherloc (09022015). Collection method: clinical testing. Allele origin: germline.
Comment: In summary, the available evidence is currently insufficient to determine the role of this variant in disease. Therefore, it has been classified as a Variant of Uncertain Significance. Algorithms developed to predict the effect of sequence changes on RNA splicing suggest that this variant may create or strengthen a splice site. This variant has not been reported in the literature in individuals affected with TTC8-related conditions. This variant is present in population databases (no rsID available, gnomAD 0.0009%). This sequence change affects codon 358 of the TTC8 mRNA. It is a 'silent' change, meaning that it does not change the encoded amino acid sequence of the TTC8 protein.

NM_144596.4(TTC8):c.1102C>T (p.Leu368=)

Gene: TTC8 (tetratricopeptide repeat domain 8; plus strand). Cytogenetic location: 14q31.3.
Variant type: single nucleotide variant.
Coding change: c.1102C>T on transcript NM_144596.4 (MANE Select); coding-DNA position 1102, C replaced by T.
Protein change: p.Leu368=; no amino-acid change (leucine 368 retained).
Molecular consequence: synonymous variant. On other transcripts: non-coding transcript variant (1).
Genome position (GRCh38, 1-based): chr14:88,871,601, C>T. VCF-style: chr14-88871601-C-T. GRCh37 (hg19) VCF-style: chr14-89337945-C-T.
Other names: c.1150C>T, p.Leu384= (NM_001288781.1); c.508C>T, p.Leu170= (NM_001288782.1); c.385C>T, p.Leu129= (NM_001288783.1); c.1072C>T, p.Leu358= (NM_001366535.2, NM_198309.3); c.982C>T, p.Leu328= (NM_001366536.2, NM_198310.3).
Identifiers: ClinVar variation 2045080 (VCV002045080.4), dbSNP rs1171802585, ClinGen allele CA487529445.